The following is an entry in ClinVar:

ClinVar aggregate classification (germline): Pathogenic (1 of 4 stars; one submission).

Conditions:
Hereditary diffuse gastric adenocarcinoma (HDGC). Also called: DIFFUSE GASTRIC AND LOBULAR BREAST CANCER SYNDROME. Identifiers: Orphanet 26106, MedGen C1708349, MONDO:0007648, OMIM 137215.

Submission:

Labcorp Genetics (formerly Invitae), Labcorp
Classification: Pathogenic for Hereditary diffuse gastric adenocarcinoma. Last evaluated: 2025-01-15. Review status: criteria provided, single submitter. Criteria: Invitae Variant Classification Sherloc (09022015). Collection method: clinical testing. Allele origin: germline.
Comment: This sequence change creates a premature translational stop signal (p.Val114Serfs*3) in the CDH1 gene. It is expected to result in an absent or disrupted protein product. Loss-of-function variants in CDH1 are known to be pathogenic (PMID: 15235021, 20373070). This variant is not present in population databases (gnomAD no frequency). This premature translational stop signal has been observed in individual(s) with gastric cancer (PMID: 30745422). For these reasons, this variant has been classified as Pathogenic.

Literature cited by the submitters: PubMed 15235021; PubMed 20373070; PubMed 30745422.

NM_004360.5(CDH1):c.339del (p.Val114fs)

Gene: CDH1 (cadherin 1; plus strand). Cytogenetic location: 16q22.1.
Variant type: Deletion.
Coding change: c.339del on transcript NM_004360.5 (MANE Select); coding-DNA position 339, one base deleted (A; older notation c.339delA).
Protein change: p.Val114fs; shifts the reading frame from valine 114.
Molecular consequence: frameshift variant. On other transcripts: 5 prime UTR variant (2).
Genome position (GRCh38, 1-based): chr16:68,801,845, A deleted; the last of 3 consecutive A bases (chr16:68,801,843-68,801,845); deleting any one gives the same sequence. VCF-style (leftmost placement, unchanged base first): chr16-68801842-CA-C. GRCh37 (hg19) VCF-style: chr16-68835745-CA-C.
Other names: c.339del, p.Val114fs (NM_001317184.2); c.-1277del (NM_001317185.2); c.-1481del (NM_001317186.2); short protein forms V114fs.
Identifiers: ClinVar variation 3729046 (VCV003729046.2).
Genomic context (GRCh38, chr16:68,801,842, plus strand): 5'-TAACCCACAGATCCATTTCTTGGTCTACGCCTGGGACTCCACCTACAGAAAGTTTTCCAC[CA>C]AAGTCACGCTGAATACAGTGGGGCACCACCACCGCCCCCCGCCCCATCAGGTATGTTGGC-3'